The following is an entry in ClinVar:

ClinVar aggregate classification (germline): Uncertain significance (1 of 4 stars; one submission).

gnomAD v4.1: 5 of 1,600,874 alleles (0.00031%); highest among the groups gnomAD compares: Non-Finnish European, 0.00043%; no homozygotes.

Submission:

Labcorp Genetics (formerly Invitae), Labcorp
Classification: Uncertain significance. Last evaluated: 2025-07-03. Review status: criteria provided, single submitter. Criteria: Invitae Variant Classification Sherloc (09022015). Collection method: clinical testing. Allele origin: germline.
Comment: This sequence change affects codon 13 of the MAD2L2 mRNA. It is a 'silent' change, meaning that it does not change the encoded amino acid sequence of the MAD2L2 protein. It affects a nucleotide within the consensus splice site. This variant is not present in population databases (gnomAD no frequency). This variant has not been reported in the literature in individuals affected with MAD2L2-related conditions. Algorithms developed to predict the effect of sequence changes on RNA splicing suggest that this variant may disrupt the consensus splice site. In summary, the available evidence is currently insufficient to determine the role of this variant in disease. Therefore, it has been classified as a Variant of Uncertain Significance.

NM_006341.4(MAD2L2):c.39A>G (p.Gln13=)

Gene: MAD2L2 (mitotic arrest deficient 2 like 2; minus strand). Cytogenetic location: 1p36.22.
Variant type: single nucleotide variant.
Coding change: c.39A>G on transcript NM_006341.4 (MANE Select); coding-DNA position 39, A replaced by G.
Protein change: p.Gln13=; no amino-acid change (glutamine 13 retained).
Molecular consequence: synonymous variant.
Genome position (GRCh38, 1-based): chr1:11,680,563, T>C on the plus strand (A>G on the coding strand, the complement: MAD2L2 is on the minus strand). VCF-style: chr1-11680563-T-C. GRCh37 (hg19) VCF-style: chr1-11740620-T-C.
Other names: c.39A>G, p.Gln13= (NM_001127325.2).
Identifiers: ClinVar variation 4763752 (VCV004763752.1).
Genomic context (GRCh38, chr1:11,680,563, plus strand): 5'-GAGGAAGCCCGCCGGCCCAGACGCCCCCGCCCCCGGGCCCGCAGGTCCAGCCTCCCTACC[T>C]TGGCCAAAGTTGAGGTCTTGTCGTGTGAGCGTGGTCATCCTTCCCGCTACCTGAGTGTTG-3'
Protein context (NP_006332.3, residues 3-23): TLTRQDLNFG[Gln13=]VVADVLCEFL